The following is an entry in ClinVar:

ClinVar aggregate classification (germline): Uncertain significance (1 of 4 stars; one submission).

Submission:

GeneDx
Classification: Uncertain significance. Last evaluated: 2025-06-12. Review status: criteria provided, single submitter. Criteria: GeneDx Variant Classification Process June 2021. Collection method: clinical testing. Allele origin: germline. Affected: yes.
Comment: Not observed at significant frequency in large population cohorts (gnomAD); In silico analysis supports that this missense variant has a deleterious effect on protein structure/function; Has not been previously published as pathogenic or benign to our knowledge; This variant is associated with the following publications: (PMID: 18184292)

NM_000702.4(ATP1A2):c.2065C>G (p.Arg689Gly)

Gene: ATP1A2 (ATPase Na+/K+ transporting subunit alpha 2; plus strand). Cytogenetic location: 1q23.2.
Variant type: single nucleotide variant.
Coding change: c.2065C>G on transcript NM_000702.4 (MANE Select); coding-DNA position 2065, C replaced by G.
Protein change: p.Arg689Gly; replaces arginine 689 with glycine.
Molecular consequence: missense variant.
Genome position (GRCh38, 1-based): chr1:160,135,245, C>G. VCF-style: chr1-160135245-C-G. GRCh37 (hg19) VCF-style: chr1-160105035-C-G.
Other names: short protein forms R689G.
Identifiers: ClinVar variation 4537750 (VCV004537750.1).